The following is an entry in ClinVar:

ClinVar aggregate classification (germline): Uncertain significance (1 of 4 stars; one submission).

Allele frequency attached by ClinVar (database versions not stated): gnomAD 0.00001 and 0.00002; gnomAD exomes 0.00001 and 0.00004; TOPMed 0.00001; ExAC 0.00003; 1000 Genomes Project 30x 0.00031; 1000 Genomes Project 0.00040.

Submission:

Labcorp Genetics (formerly Invitae), Labcorp
Classification: Uncertain significance. Last evaluated: 2020-11-16. Review status: criteria provided, single submitter. Criteria: Invitae Variant Classification Sherloc (09022015). Collection method: clinical testing. Allele origin: germline.
Comment: This sequence change replaces valine with alanine at codon 1641 of the LCT protein (p.Val1641Ala). The valine residue is moderately conserved and there is a small physicochemical difference between valine and alanine. This variant is present in population databases (rs557029000, ExAC 0.05%). This variant has not been reported in the literature in individuals with LCT-related conditions. ClinVar contains an entry for this variant (Variation ID: 331167). Algorithms developed to predict the effect of missense changes on protein structure and function are either unavailable or do not agree on the potential impact of this missense change (SIFT: "Not Available"; PolyPhen-2: "Benign"; Align-GVGD: "Not Available"). In summary, the available evidence is currently insufficient to determine the role of this variant in disease. Therefore, it has been classified as a Variant of Uncertain Significance.

NM_002299.4(LCT):c.4922T>C (p.Val1641Ala)

Gene: LCT (lactase; minus strand). Cytogenetic location: 2q21.3.
Variant type: single nucleotide variant.
Coding change: c.4922T>C on transcript NM_002299.4 (MANE Select); coding-DNA position 4922, T replaced by C.
Protein change: p.Val1641Ala; replaces valine 1641 with alanine.
Molecular consequence: missense variant.
Genome position (GRCh38, 1-based): chr2:135,798,083, A>G on the plus strand (T>C on the coding strand, the complement: LCT is on the minus strand). VCF-style: chr2-135798083-A-G. GRCh37 (hg19) VCF-style: chr2-136555653-A-G.
Other names: c.4922T>C (LRG_338t1); short protein forms V1641A.
Identifiers: ClinVar variation 331167 (VCV000331167.11), dbSNP rs557029000, ClinGen allele CA1887740.
Genomic context (GRCh38, chr2:135,798,083, plus strand): 5'-CCTTACCGAGACTTGTTGAGGCCTGCAGCCAAGCTCCTGTCACGGATCCGCGTCTTCATC[A>G]CCTCATTGTAATCTCCATTCTTGAAAATAGGATGTGCAAACCAGCCTCCCATGAACTGCG-3'
Protein context (NP_002290.2, residues 1631-1651): PIFKNGDYNE[Val1641Ala]MKTRIRDRSL